The following is an entry in ClinVar:

NM_000303.3(PMM2):c.255+2T>G

Gene: PMM2 (phosphomannomutase 2; plus strand). Cytogenetic location: 16p13.2.
Variant type: single nucleotide variant.
Coding change: c.255+2T>G on transcript NM_000303.3 (MANE Select); the canonical splice donor site of the intron after coding-DNA position 255, T replaced by G.
Molecular consequence: splice donor variant.
Genome position (GRCh38, 1-based): chr16:8,804,845, T>G. VCF-style: chr16-8804845-T-G. GRCh37 (hg19) VCF-style: chr16-8898702-T-G.
Identifiers: ClinVar variation 2034426 (VCV002034426.4), dbSNP rs139716296, ClinGen allele CA394696026.
Genomic context (GRCh38, chr16:8,804,845, plus strand): 5'-ATGTGTTTCCAGAAAATGGCTTGGTAGCATACAAAGATGGGAAACTCTTGTGTAGACAGG[T>G]AGGTTCTTGAGTATCTGAATTACTATATACTATTAAAAGTGTTTTCTAAAAGGGCATTTC-3'

ClinVar aggregate classification (germline): Pathogenic (1 of 4 stars; one submission).

Conditions:
PMM2-congenital disorder of glycosylation. Also called: PHOSPHOMANNOMUTASE 2 DEFICIENCY; CARBOHYDRATE-DEFICIENT GLYCOPROTEIN SYNDROME, TYPE Ia; Congenital disorder of glycosylation, type Ia; PMM2-CDG; CDG Ia; JAEKEN SYNDROME. Identifiers: Orphanet 79318, MedGen C0349653, MONDO:0008907, OMIM 212065.

gnomAD v4.1: 2 of 1,591,746 alleles (0.00013%); highest among the groups gnomAD compares: Non-Finnish European, 0.00017%; no homozygotes.

Submission:

Labcorp Genetics (formerly Invitae), Labcorp
Classification: Pathogenic for PMM2-congenital disorder of glycosylation. Last evaluated: 2023-09-29. Review status: criteria provided, single submitter. Criteria: Invitae Variant Classification Sherloc (09022015). Collection method: clinical testing. Allele origin: germline.
Comment: Algorithms developed to predict the effect of sequence changes on RNA splicing suggest that this variant may disrupt the consensus splice site. For these reasons, this variant has been classified as Pathogenic. ClinVar contains an entry for this variant (Variation ID: 2034426). This sequence change affects a donor splice site in intron 3 of the PMM2 gene. It is expected to disrupt RNA splicing. Variants that disrupt the donor or acceptor splice site typically lead to a loss of protein function (PMID: 16199547), and loss-of-function variants in PMM2 are known to be pathogenic (PMID: 19862844). This variant is not present in population databases (gnomAD no frequency). Disruption of this splice site has been observed in individuals with PMM2-related congenital disorder of glycosylation (PMM2-CDG) (PMID: 11156536, 15844218, 18948042, 23806237).

Literature cited by the submitters: PubMed 16199547; PubMed 19862844; PubMed 11156536; PubMed 15844218; PubMed 18948042; PubMed 23806237.